The following is an entry in ClinVar:

ClinVar aggregate classification (germline): Uncertain significance (1 of 4 stars; one submission).

Conditions:
FBXW7-related disorder. Also called: FBXW7-related condition; FBXW7-related disorders.

Submission:

PreventionGenetics, part of Exact Sciences
Classification: Uncertain significance for FBXW7-related condition. Last evaluated: 2023-07-07. Review status: criteria provided, single submitter. Criteria: ACMG Guidelines, 2015. Collection method: clinical testing. Allele origin: germline.
Comment: The FBXW7 c.1154C>G variant is predicted to result in the amino acid substitution p.Thr385Arg. To our knowledge, this variant has not been reported in the literature or in a large population database, indicating this variant is rare. At this time, the clinical significance of this variant is uncertain due to the absence of conclusive functional and genetic evidence.

NM_001349798.2(FBXW7):c.1154C>G (p.Thr385Arg)

Gene: FBXW7 (F-box and WD repeat domain containing 7; minus strand). Cytogenetic location: 4q31.3.
Variant type: single nucleotide variant.
Coding change: c.1154C>G on transcript NM_001349798.2 (MANE Select); coding-DNA position 1154, C replaced by G.
Protein change: p.Thr385Arg; replaces threonine 385 with arginine.
Molecular consequence: missense variant.
Genome position (GRCh38, 1-based): chr4:152,329,754, G>C on the plus strand (C>G on the coding strand, the complement: FBXW7 is on the minus strand). VCF-style: chr4-152329754-G-C. GRCh37 (hg19) VCF-style: chr4-153250906-G-C.
Other names: c.800C>G, p.Thr267Arg (NM_001013415.2); c.914C>G, p.Thr305Arg (NM_018315.5); c.1154C>G, p.Thr385Arg (NM_033632.3); short protein forms T267R, T305R, T385R.
Identifiers: ClinVar variation 2631482 (VCV002631482.1), dbSNP rs866269762, ClinGen allele CA358619309.